The following is an entry in ClinVar:

NM_004817.4(TJP2):c.2732A>C (p.Tyr911Ser)

Gene: TJP2 (tight junction protein 2; plus strand). Cytogenetic location: 9q21.11.
Variant type: single nucleotide variant.
Coding change: c.2732A>C on transcript NM_004817.4 (MANE Select); coding-DNA position 2732, A replaced by C.
Protein change: p.Tyr911Ser; replaces tyrosine 911 with serine.
Molecular consequence: missense variant. On other transcripts: intron variant (1).
Genome position (GRCh38, 1-based): chr9:69,248,076, A>C. VCF-style: chr9-69248076-A-C. GRCh37 (hg19) VCF-style: chr9-71862992-A-C.
Other names: c.2663A>C, p.Tyr888Ser (NM_001170414.2, NM_001369871.1); c.2744A>C, p.Tyr915Ser (NM_001170415.1, NM_001369874.1, NM_001369875.1); c.2825A>C, p.Tyr942Ser (NM_001170416.2); c.2657A>C, p.Tyr886Ser (NM_001369870.1); c.2732A>C, p.Tyr911Ser (NM_001369872.1, NM_201629.3); c.2667+1286A>C (NM_001369873.1); short protein forms Y911S, Y915S, Y942S, Y888S, Y886S.
Identifiers: ClinVar variation 4771140 (VCV004771140.1).

ClinVar aggregate classification (germline): Uncertain significance (1 of 4 stars; one submission).

Submission:

Labcorp Genetics (formerly Invitae), Labcorp
Classification: Uncertain significance. Last evaluated: 2025-12-24. Review status: criteria provided, single submitter. Criteria: Invitae Variant Classification Sherloc (09022015). Collection method: clinical testing. Allele origin: germline.
Comment: This sequence change replaces tyrosine, which is neutral and polar, with serine, which is neutral and polar, at codon 911 of the TJP2 protein (p.Tyr911Ser). This variant is present in population databases (no rsID available, gnomAD 0.0009%). This variant has not been reported in the literature in individuals affected with TJP2-related conditions. Invitae Evidence Modeling of protein sequence and biophysical properties (such as structural, functional, and spatial information, amino acid conservation, physicochemical variation, residue mobility, and thermodynamic stability) has been performed for this missense variant. However, the output from this modeling did not meet the statistical confidence thresholds required to predict the impact of this variant on TJP2 protein function. In summary, the available evidence is currently insufficient to determine the role of this variant in disease. Therefore, it has been classified as a Variant of Uncertain Significance.